The following is an entry in ClinVar:

NM_019098.5(CNGB3):c.798T>G (p.Tyr266Ter)

Gene: CNGB3 (cyclic nucleotide gated channel subunit beta 3; minus strand). Cytogenetic location: 8q21.3.
Variant type: single nucleotide variant.
Coding change: c.798T>G on transcript NM_019098.5 (MANE Select); coding-DNA position 798, T replaced by G.
Protein change: p.Tyr266Ter; replaces tyrosine 266 with a stop codon.
Molecular consequence: nonsense.
Genome position (GRCh38, 1-based): chr8:86,666,979, A>C on the plus strand (T>G on the coding strand, the complement: CNGB3 is on the minus strand). VCF-style: chr8-86666979-A-C. GRCh37 (hg19) VCF-style: chr8-87679207-A-C.
Other names: c.798T>G (NM_019098.4); short protein forms Y266*.
Identifiers: ClinVar variation 3595928 (VCV003595928.3).
Genomic context (GRCh38, chr8:86,666,979, plus strand): 5'-ACTTACTATTATGTCTCCTCCTCTTACAAACTGGAGTCTGGGCTGGATAAATAGCATATC[A>C]TAAAGGTAGATGATATCACATATGATGTCCGCAATAAGCCAGTAGTGTATGTTGTCTGCG-3'

ClinVar aggregate classification (germline): Likely pathogenic. Review status: criteria provided, multiple submitters, no conflicts (2 of 4 stars). 2 submissions from 2 submitters: Likely pathogenic (2). Last evaluated 2025-01-13.

Conditions:
Achromatopsia 3 (ACHM3). Also called: TOTAL COLORBLINDNESS WITH MYOPIA; ROD MONOCHROMACY 1; ROD MONOCHROMATISM 1; ACHROMATOPSIA WITH MYOPIA; PINGELAPESE BLINDNESS. Identifiers: Orphanet 49382, MedGen C1849792, MONDO:0009875, OMIM 262300.
Achromatopsia. Also called: Rod monochromatism. Identifiers: Orphanet 49382, MedGen C0152200, MONDO:0018852, HP:0011516.

Submissions (2):

Natera, Inc.
Classification: Likely pathogenic for Achromatopsia. Last evaluated: 2025-01-13. Review status: criteria provided, single submitter. Criteria: Natera Variant Classification Schema (03/2026). Collection method: clinical testing. Allele origin: germline.
Comment: The c.798T>G variant in CNGB3 is a nonsense variant predicted to introduce a stop codon at amino acid 266. This variant is expected to result in nonsense mediated decay, truncation, or a dysfunctional protein product. This variant is rare in the general population with a frequency below the threshold expected for the associated phenotype(s). Given the available evidence, this variant is classified as Likely Pathogenic.

Fulgent Genetics
Classification: Likely pathogenic for Achromatopsia 3. Last evaluated: 2024-05-28. Review status: criteria provided, single submitter. Criteria: ACMG Guidelines, 2015. Collection method: clinical testing. Allele origin: germline.